The following is an entry in ClinVar:

NM_017755.6(NSUN2):c.*99G>A

Gene: NSUN2 (NOP2/Sun RNA methyltransferase 2; minus strand). Cytogenetic location: 5p15.31.
Variant type: single nucleotide variant.
Coding change: c.*99G>A on transcript NM_017755.6 (MANE Select); 99 bases downstream of the stop codon, G replaced by A.
Molecular consequence: 3 prime UTR variant. On other transcripts: non-coding transcript variant (1).
Genome position (GRCh38, 1-based): chr5:6,599,827, C>T on the plus strand (G>A on the coding strand, the complement: NSUN2 is on the minus strand). VCF-style: chr5-6599827-C-T. GRCh37 (hg19) VCF-style: chr5-6599940-C-T.
Other names: c.*99G>A (NM_001193455.2).
Identifiers: ClinVar variation 354043 (VCV000354043.7), dbSNP rs3776448, ClinGen allele CA10620694.

ClinVar aggregate classification (germline): Benign. Review status: criteria provided, multiple submitters, no conflicts (2 of 4 stars). 3 submissions from 3 submitters: Benign (3). Last evaluated 2018-09-11.

Conditions:
Intellectual developmental disorder, autosomal recessive 5. Also called: Intellectual disability, autosomal recessive 5. Identifiers: Orphanet 88616, MedGen C1970199, MONDO:0012613, OMIM 611091.

Allele frequency attached by ClinVar (database versions not stated): gnomAD 0.11560 and 0.11157; 1000 Genomes Project 30x 0.14382; gnomAD exomes 0.12821; 1000 Genomes Project 0.14617; TOPMed 0.11002.
gnomAD v4.1: 130,188 of 1,032,074 alleles (13%); highest among the groups gnomAD compares: East Asian, 25%; 9,834 homozygotes.

Submissions (3):

GeneDx
Classification: Benign. Last evaluated: 2018-09-11. Review status: criteria provided, single submitter. Criteria: GeneDx Variant Classification Process June 2021. Collection method: clinical testing. Allele origin: germline. Affected: yes.

Illumina Laboratory Services, Illumina
Classification: Benign for Intellectual developmental disorder, autosomal recessive 5. Last evaluated: 2018-01-12. Review status: criteria provided, single submitter. Criteria: ICSL Variant Classification Criteria 13 December 2019. Collection method: clinical testing. Allele origin: germline.
Comment: This variant was observed in the ICSL laboratory as part of a predisposition screen in an ostensibly healthy population. It had not been previously curated by ICSL or reported in the Human Gene Mutation Database (HGMD: prior to June 1st, 2018), and was therefore a candidate for classification through an automated scoring system. Utilizing variant allele frequency, disease prevalence and penetrance estimates, and inheritance mode, an automated score was calculated to assess if this variant is too frequent to cause the disease. Based on the score and internal cut-off values, a variant classified as benign is not then subjected to further curation. The score for this variant resulted in a classification of benign for this disease.

Breakthrough Genomics
Classification: Benign. Review status: criteria provided, single submitter. Criteria: ACMG Guidelines, 2015. Collection method: not provided. Allele origin: germline. Inheritance: Autosomal recessive inheritance. Affected: yes.